The following is an entry in ClinVar:

ClinVar aggregate classification (germline): Uncertain significance. Review status: criteria provided, multiple submitters, no conflicts (2 of 4 stars). 2 submissions from 2 submitters: Uncertain significance (2). Last evaluated 2025-06-23.

Allele frequency attached by ClinVar (database versions not stated): gnomAD 0.00001 and 0.00002; gnomAD exomes 0.00002 and 0.00001; TOPMed 0.00003.
gnomAD v4.1: 17 of 1,608,730 alleles (0.0011%); highest among the groups gnomAD compares: Middle Eastern, 0.12%; no homozygotes.

Submissions (2):

GeneDx
Classification: Uncertain significance. Last evaluated: 2025-06-23. Review status: criteria provided, single submitter. Criteria: GeneDx Variant Classification Process June 2021. Collection method: clinical testing. Allele origin: germline. Affected: yes.
Comment: Reported in a family with FrankTer Haar syndrome that harbored other likely disease-causing variants (PMID: 38952703); In silico analysis supports a deleterious effect on splicing; This variant is associated with the following publications: (PMID: 38952703)

Labcorp Genetics (formerly Invitae), Labcorp
Classification: Uncertain significance. Last evaluated: 2023-11-01. Review status: criteria provided, single submitter. Criteria: Invitae Variant Classification Sherloc (09022015). Collection method: clinical testing. Allele origin: germline.
Comment: This sequence change falls in intron 16 of the OBSL1 gene. It does not directly change the encoded amino acid sequence of the OBSL1 protein. It affects a nucleotide within the consensus splice site. This variant is present in population databases (no rsID available, gnomAD 0.0009%), including at least one homozygous and/or hemizygous individual. This variant has not been reported in the literature in individuals affected with OBSL1-related conditions. ClinVar contains an entry for this variant (Variation ID: 1432522). Variants that disrupt the consensus splice site are a relatively common cause of aberrant splicing (PMID: 17576681, 9536098). Algorithms developed to predict the effect of sequence changes on RNA splicing suggest that this variant may disrupt the consensus splice site. In summary, the available evidence is currently insufficient to determine the role of this variant in disease. Therefore, it has been classified as a Variant of Uncertain Significance.

Literature cited by the submitters: PubMed 17576681 (cited by Labcorp Genetics (formerly Invitae), Labcorp); PubMed 9536098 (cited by Labcorp Genetics (formerly Invitae), Labcorp).

NM_015311.3(OBSL1):c.4989+5G>A

Gene: OBSL1 (obscurin like cytoskeletal adaptor 1; minus strand). Cytogenetic location: 2q35.
Variant type: single nucleotide variant.
Coding change: c.4989+5G>A on transcript NM_015311.3 (MANE Select); 5 bases into the intron after coding-DNA position 4989, G replaced by A.
Molecular consequence: intron variant.
Genome position (GRCh38, 1-based): chr2:219,553,569, C>T on the plus strand (G>A on the coding strand, the complement: OBSL1 is on the minus strand). VCF-style: chr2-219553569-C-T. GRCh37 (hg19) VCF-style: chr2-220418291-C-T.
Identifiers: ClinVar variation 1432522 (VCV001432522.5), dbSNP rs866308700, ClinGen allele CA66022956.